The following is an entry in ClinVar:

NM_000443.4(ABCB4):c.1356+26A>G

Gene: ABCB4 (ATP binding cassette subfamily B member 4; minus strand). Cytogenetic location: 7q21.12.
Variant type: single nucleotide variant.
Coding change: c.1356+26A>G on transcript NM_000443.4 (MANE Select); 26 bases into the intron after coding-DNA position 1356, A replaced by G.
Molecular consequence: intron variant.
Genome position (GRCh38, 1-based): chr7:87,443,293, T>C on the plus strand (A>G on the coding strand, the complement: ABCB4 is on the minus strand). VCF-style: chr7-87443293-T-C. GRCh37 (hg19) VCF-style: chr7-87072609-T-C.
Other names: p.?; c.1356+26A>G (NM_018850.3, NM_018849.3).
Identifiers: ClinVar variation 1300382 (VCV001300382.5), dbSNP rs45505699, ClinGen allele CA4327311.

ClinVar aggregate classification (germline): Benign/Likely benign. Review status: criteria provided, multiple submitters, no conflicts (2 of 4 stars). 4 submissions from 4 submitters: Benign (1); Likely benign (3). Last evaluated 2026-04-14.

Conditions:
Low phospholipid associated cholelithiasis (GBD1). Also called: Gallstone cholecystitis; Gallbladder disease 1. Identifiers: Orphanet 69663, MedGen C2609268, MONDO:0010939, OMIM 600803.
Familial intrahepatic cholestasis. Identifiers: Orphanet 284385, MedGen CN296401, MONDO:0017290.

Allele frequency attached by ClinVar (database versions not stated): gnomAD exomes 0.00101 and 0.00270; ExAC 0.00334; gnomAD 0.00983 and 0.01051; 1000 Genomes Project 0.01078; ESP Exome Variant Server 0.01115; TOPMed 0.01135; 1000 Genomes Project 30x 0.01202.
gnomAD v4.1: 3,045 of 1,613,776 alleles (0.19%); highest among the groups gnomAD compares: African/African-American, 3.6%; 55 homozygotes.

Submissions (4):

Genomenon, Inc
Classification: Likely benign for Familial intrahepatic cholestasis; Low phospholipid associated cholelithiasis. Last evaluated: 2026-04-14. Review status: criteria provided, single submitter. Criteria: Genomenon Sequence Variant Interpretation Standards - Updated. Collection method: curation. Allele origin: germline. Affected: no.
Comment: ABCB4 c.1356+26A>G is an intronic variant located in intron 12. This variant has been reported in the published literature (PMID:19018976;35741809). This intronic variant is not predicted to impact splicing. This variant’s allele frequency in gnomAD is greater than expected for this disorder. In conclusion, we classify ABCB4 c.1356+26A>G as a likely benign variant.

Mayo Clinic Laboratories, Mayo Clinic
Classification: Benign. Last evaluated: 2022-01-03. Review status: criteria provided, single submitter. Criteria: ACMG Guidelines, 2015. Collection method: clinical testing. Allele origin: germline. Observed: 14 variant alleles.
Comment: BA1, BP4

GeneDx
Classification: Likely benign. Last evaluated: 2021-03-17. Review status: criteria provided, single submitter. Criteria: GeneDx Variant Classification Process June 2021. Collection method: clinical testing. Allele origin: germline. Affected: yes.

Breakthrough Genomics
Classification: Likely benign. Review status: criteria provided, single submitter. Criteria: ACMG Guidelines, 2015. Collection method: not provided. Allele origin: germline. Inheritance: Autosomal recessive inheritance. Affected: yes.

Literature cited by the submitters: PubMed 19018976 (cited by Genomenon, Inc); PubMed 35741809 (cited by Genomenon, Inc).